The following is an entry in ClinVar:

ClinVar aggregate classification (germline): Benign/Likely benign. Review status: criteria provided, multiple submitters, no conflicts (2 of 4 stars). 4 submissions from 4 submitters: Benign (1); Likely benign (2). 1 of the submissions does not count toward it. Last evaluated 2025-12-15.

Conditions:
Inborn genetic diseases. Identifiers: MedGen C0950123, MeSH D030342.
Cornelia de Lange syndrome 5 (CDLS5). Also called: HDAC8-Related Cornelia de Lange Syndrome. Identifiers: Orphanet 199, MedGen C3550903, MONDO:0010471, OMIM 300882.
HDAC8-related disorder. Also called: HDAC8-related condition.

Allele frequency attached by ClinVar (database versions not stated): 1000 Genomes Project 30x 0.00021; gnomAD exomes 0.00021 and 0.00026; ExAC 0.00025; 1000 Genomes Project 0.00026; ESP Exome Variant Server 0.00028; gnomAD 0.00005 and 0.00008; TOPMed 0.00006.
gnomAD v4.1: 234 of 1,176,345 alleles (0.02%); highest among the groups gnomAD compares: South Asian, 0.17%; no homozygotes.

Submissions (4):

Labcorp Genetics (formerly Invitae), Labcorp
Classification: Benign for Cornelia de Lange syndrome 5. Last evaluated: 2025-12-15. Review status: criteria provided, single submitter. Criteria: Invitae Variant Classification Sherloc (09022015). Collection method: clinical testing. Allele origin: germline.

Ambry Genetics
Classification: Likely benign for Inborn genetic diseases. Last evaluated: 2025-03-27. Review status: criteria provided, single submitter. Criteria: Ambry Variant Classification Scheme 2023. Collection method: clinical testing. Allele origin: germline.

Blueprint Genetics
Classification: Likely benign. Last evaluated: 2024-06-26. Review status: criteria provided, single submitter. Criteria: ACMG Guidelines, 2015. Collection method: clinical testing. Allele origin: germline.

PreventionGenetics, part of Exact Sciences
Classification: Likely benign for HDAC8-related condition. Last evaluated: 2019-05-20. Review status: no assertion criteria provided. Collection method: clinical testing. Allele origin: germline. Not counted in ClinVar's aggregate classification.
Comment: This variant is classified as likely benign based on ACMG/AMP sequence variant interpretation guidelines (Richards et al. 2015 PMID: 25741868, with internal and published modifications).

NM_018486.3(HDAC8):c.639C>T (p.Asp213=)

Gene: HDAC8 (histone deacetylase 8; minus strand). Cytogenetic location: Xq13.1.
Variant type: single nucleotide variant.
Coding change: c.639C>T on transcript NM_018486.3 (MANE Select); coding-DNA position 639, C replaced by T.
Protein change: p.Asp213=; no amino-acid change (aspartic acid 213 retained).
Molecular consequence: synonymous variant. On other transcripts: non-coding transcript variant (1).
Genome position (GRCh38, 1-based): chrX:72,489,031, G>A on the plus strand (C>T on the coding strand, the complement: HDAC8 is on the minus strand). VCF-style: chrX-72489031-G-A. GRCh37 (hg19) VCF-style: chrX-71708881-G-A.
Other names: c.366C>T, p.Asp122= (NM_001166418.2); c.639C>T, p.Asp213= (NM_001166419.2); c.288C>T, p.Asp96= (NM_001166448.2).
Identifiers: ClinVar variation 724622 (VCV000724622.12), dbSNP rs142540077, ClinGen allele CA10450209.
Genomic context (GRCh38, chrX:72,489,031, plus strand): 5'-ATCCTGAATGGGCACATTTACACTGTAGTACCGTCCCTTCCCTAGGCCAACATCAGACAC[G>A]TCACCTGTTCCTATAAAAGAGAAGAGCACTATGATCAGTTATTAGGAACATGAGAACCCA-3'
Protein context (NP_060956.1, residues 203-223): FSPGFFPGTG[Asp213=]VSDVGLGKGR